The following is an entry in ClinVar:

NM_003079.5(SMARCE1):c.156+2T>C

Gene: SMARCE1 (SWI/SNF related BAF chromatin remodeling complex subunit E1; minus strand). Cytogenetic location: 17q21.2.
Variant type: single nucleotide variant.
Coding change: c.156+2T>C on transcript NM_003079.5 (MANE Select); the canonical splice donor site of the intron after coding-DNA position 156, T replaced by C.
Molecular consequence: splice donor variant.
Genome position (GRCh38, 1-based): chr17:40,642,453, A>G on the plus strand (T>C on the coding strand, the complement: SMARCE1 is on the minus strand). VCF-style: chr17-40642453-A-G. GRCh37 (hg19) VCF-style: chr17-38798705-A-G.
Identifiers: ClinVar variation 3649898 (VCV003649898.2).
Genomic context (GRCh38, chr17:40,642,453, plus strand): 5'-CTGAAGGCATTTCTGGTCAATTCCAGTTGTTTGCCGGATGCTGTAATAGTTGATTCTCCT[A>G]CCGTGACCCGGCTGTTGGTGCCCGGGTTCCCTCCCAGCCTGTAGTTGTTGTAGGCGAGAT-3'

ClinVar aggregate classification (germline): Likely pathogenic (1 of 4 stars; one submission).

Conditions:
Familial meningioma. Also called: Meningioma, familial, susceptibility to. Identifiers: Orphanet 263662, MedGen C3551915, MONDO:0011789, OMIM 607174.

Submission:

Labcorp Genetics (formerly Invitae), Labcorp
Classification: Likely pathogenic for Familial meningioma. Last evaluated: 2024-04-15. Review status: criteria provided, single submitter. Criteria: Invitae Variant Classification Sherloc (09022015). Collection method: clinical testing. Allele origin: germline.
Comment: This sequence change affects a donor splice site in intron 4 of the SMARCE1 gene. It is expected to disrupt RNA splicing. Variants that disrupt the donor or acceptor splice site typically lead to a loss of protein function (PMID: 16199547), and loss-of-function variants in SMARCE1 are known to be pathogenic (PMID: 23377182). This variant is not present in population databases (gnomAD no frequency). This variant has not been reported in the literature in individuals affected with SMARCE1-related conditions. Algorithms developed to predict the effect of sequence changes on RNA splicing suggest that this variant may disrupt the consensus splice site. In summary, the currently available evidence indicates that the variant is pathogenic, but additional data are needed to prove that conclusively. Therefore, this variant has been classified as Likely Pathogenic.

Literature cited by the submitters: PubMed 16199547; PubMed 23377182.